The following is an entry in ClinVar:

NM_015466.4(PTPN23):c.369G>A (p.Ala123=)

Gene: PTPN23 (protein tyrosine phosphatase non-receptor type 23; plus strand). Cytogenetic location: 3p21.31.
Variant type: single nucleotide variant.
Coding change: c.369G>A on transcript NM_015466.4 (MANE Select); coding-DNA position 369, G replaced by A.
Protein change: p.Ala123=; no amino-acid change (alanine 123 retained).
Molecular consequence: synonymous variant. On other transcripts: 5 prime UTR variant (1).
Genome position (GRCh38, 1-based): chr3:47,405,753, G>A. VCF-style: chr3-47405753-G-A. GRCh37 (hg19) VCF-style: chr3-47447243-G-A.
Other names: c.-10G>A (NM_001304482.2).
Identifiers: ClinVar variation 1614430 (VCV001614430.32), dbSNP rs372380435, ClinGen allele CA2365302.

ClinVar aggregate classification (germline): Likely benign. Review status: criteria provided, multiple submitters, no conflicts (2 of 4 stars). 2 submissions from 2 submitters: Likely benign (2). Last evaluated 2026-01-11.

Allele frequency attached by ClinVar (database versions not stated): gnomAD 0.00004 and 0.00005; gnomAD exomes 0.00008; TOPMed 0.00008; ExAC 0.00014; ESP Exome Variant Server 0.00023.
gnomAD v4.1: 225 of 1,599,566 alleles (0.014%); highest among the groups gnomAD compares: Non-Finnish European, 0.018%; no homozygotes.

Submissions (2):

Labcorp Genetics (formerly Invitae), Labcorp
Classification: Likely benign. Last evaluated: 2026-01-11. Review status: criteria provided, single submitter. Criteria: Invitae Variant Classification Sherloc (09022015). Collection method: clinical testing. Allele origin: germline.

CeGaT Center for Human Genetics Tuebingen
Classification: Likely benign. Last evaluated: 2025-11-01. Review status: criteria provided, single submitter. Criteria: CeGaT Center For Human Genetics Tuebingen Variant Classification Criteria Version 2. Collection method: clinical testing. Allele origin: germline. Affected: yes. Observed: 2 variant alleles.
Comment: PTPN23: BP4, BP7